The following is an entry in ClinVar:

ClinVar aggregate classification (germline): Conflicting classifications of pathogenicity. Review status: criteria provided, conflicting classifications (1 of 4 stars). 4 submissions from 4 submitters: Uncertain significance (1); Likely benign (3). Last evaluated 2026-01-21.

Conditions:
Multiple endocrine neoplasia, type 2 (MEN2). Identifiers: Orphanet 653, MedGen C4048306, MONDO:0019003. Disease mechanism: gain of function.
Multiple endocrine neoplasia type 2A. Also called: Multiple Endocrine Neoplasia Type 2A (MEN2A); MULTIPLE ENDOCRINE NEOPLASIA, TYPE IIA; PTC SYNDROME; SIPPLE SYNDROME; MEN 2A; MEN-2A syndrome. Identifiers: Orphanet 247698, Orphanet 653, MedGen C0025268, MeSH D018813, MONDO:0008234, OMIM 171400.

gnomAD v4.1: 19 of 1,585,850 alleles (0.0012%); highest among the groups gnomAD compares: African/African-American, 0.023%; no homozygotes.

Submissions (4):

Labcorp Genetics (formerly Invitae), Labcorp
Classification: Likely benign for Multiple endocrine neoplasia, type 2. Last evaluated: 2026-01-21. Review status: criteria provided, single submitter. Criteria: Invitae Variant Classification Sherloc (09022015). Collection method: clinical testing. Allele origin: germline.

Color Diagnostics, LLC DBA Color Health
Classification: Likely benign for Multiple endocrine neoplasia, type 2. Last evaluated: 2025-07-05. Review status: criteria provided, single submitter. Criteria: ACMG Guidelines, 2015. Collection method: clinical testing. Allele origin: germline.

Myriad Genetics, Inc.
Classification: Likely benign for Multiple endocrine neoplasia type 2A. Last evaluated: 2024-08-13. Review status: criteria provided, single submitter. Criteria: Myriad Autosomal Dominant, Autosomal Recessive and X-Linked Classification Criteria (2023). Collection method: clinical testing. Allele origin: unknown.
Comment: This variant is considered likely benign. This variant is intronic and is not expected to impact mRNA splicing. This variant has been observed at a population frequency that is significantly greater than expected given the associated disease prevalence and penetrance.

All of Us Research Program, National Institutes of Health
Classification: Uncertain significance for Multiple endocrine neoplasia, type 2. Last evaluated: 2023-08-15. Review status: criteria provided, single submitter. Criteria: ACMG Guidelines, 2015. Collection method: clinical testing. Allele origin: germline. Inheritance: Autosomal dominant inheritance. Observed: 2 variant alleles, 2 heterozygotes.
Comment: This variant causes a C to G nucleotide substitution at the -14 position of intron 13 of the RET gene. To our knowledge, functional studies have not been reported for this variant. This variant has not been reported in individuals affected with RET-related disorders in the literature. This variant has been identified in 5/234862 chromosomes in the general population by the Genome Aggregation Database (gnomAD). The available evidence is insufficient to determine the role of this variant in disease conclusively. Therefore, this variant is classified as a Variant of Uncertain Significance.

This study involves interpretation of variants in research participants for the purpose of population health screening. Participant phenotype was not available at the time of variant classification. Additional details can be found in publication PMID: 35346344, PMCID: PMC8962531

NM_020975.6(RET):c.2393-14C>G

Gene: RET (ret proto-oncogene; plus strand). Cytogenetic location: 10q11.21.
Variant type: single nucleotide variant.
Coding change: c.2393-14C>G on transcript NM_020975.6 (MANE Select); 14 bases into the intron before coding-DNA position 2393, C replaced by G.
Molecular consequence: intron variant.
Genome position (GRCh38, 1-based): chr10:43,119,517, C>G. VCF-style: chr10-43119517-C-G. GRCh37 (hg19) VCF-style: chr10-43614965-C-G.
Other names: c.2393-14C>G (NM_020630.7, NM_001406743.1, NM_001406744.1 and 2 more transcripts); c.2258-14C>G (NM_001406765.1, NM_001406763.1); c.1997-14C>G (NM_001406772.1, NM_001406769.1); c.1955-14C>G (NM_001406773.1, NM_001406771.1); c.1496-14C>G (NM_001406782.1, NM_001406780.1, NM_001406779.1 and 1 more transcripts); c.1361-14C>G (NM_001406787.1); c.1376-14C>G (NM_001406785.1); c.2264-14C>G (NM_001406764.1, NM_001406762.1, NM_001406761.1); and 10 more.
Identifiers: ClinVar variation 1617726 (VCV001617726.11), dbSNP rs144269978, ClinGen allele CA038892.